The following is an entry in ClinVar:

ClinVar aggregate classification (germline): Uncertain significance. Review status: criteria provided, multiple submitters, no conflicts (2 of 4 stars). 2 submissions from 2 submitters: Uncertain significance (2). Last evaluated 2024-11-05.

Allele frequency attached by ClinVar (database versions not stated): ExAC 0.00005; gnomAD exomes 0.00005; gnomAD 0.00009 and 0.00010; TOPMed 0.00015; 1000 Genomes Project 30x 0.00031; 1000 Genomes Project 0.00040.
gnomAD v4.1: 49 of 1,614,076 alleles (0.003%); highest among the groups gnomAD compares: Middle Eastern, 0.099%; no homozygotes.

Submissions (2):

Labcorp Genetics (formerly Invitae), Labcorp
Classification: Uncertain significance. Last evaluated: 2024-11-05. Review status: criteria provided, single submitter. Criteria: Invitae Variant Classification Sherloc (09022015). Collection method: clinical testing. Allele origin: germline.
Comment: This sequence change replaces aspartic acid, which is acidic and polar, with glutamic acid, which is acidic and polar, at codon 412 of the SERPINH1 protein (p.Asp412Glu). This variant is present in population databases (rs200334001, gnomAD 0.006%). This variant has not been reported in the literature in individuals affected with SERPINH1-related conditions. ClinVar contains an entry for this variant (Variation ID: 1411934). Invitae Evidence Modeling of protein sequence and biophysical properties (such as structural, functional, and spatial information, amino acid conservation, physicochemical variation, residue mobility, and thermodynamic stability) indicates that this missense variant is not expected to disrupt SERPINH1 protein function with a negative predictive value of 95%. Algorithms developed to predict the effect of sequence changes on RNA splicing suggest that this variant may create or strengthen a splice site. In summary, the available evidence is currently insufficient to determine the role of this variant in disease. Therefore, it has been classified as a Variant of Uncertain Significance.

Breakthrough Genomics
Classification: Uncertain significance. Review status: criteria provided, single submitter. Criteria: ACMG Guidelines, 2015. Collection method: not provided. Allele origin: germline. Inheritance: Autosomal recessive inheritance. Affected: yes.

NM_001235.5(SERPINH1):c.1236C>G (p.Asp412Glu)

Gene: SERPINH1 (serpin family H member 1; plus strand). Cytogenetic location: 11q13.5.
Variant type: single nucleotide variant.
Coding change: c.1236C>G on transcript NM_001235.5 (MANE Select); coding-DNA position 1236, C replaced by G.
Protein change: p.Asp412Glu; replaces aspartic acid 412 with glutamic acid.
Molecular consequence: missense variant.
Genome position (GRCh38, 1-based): chr11:75,572,062, C>G. VCF-style: chr11-75572062-C-G. GRCh37 (hg19) VCF-style: chr11-75283107-C-G.
Other names: c.1236C>G, p.Asp412Glu (NM_001207014.3); short protein forms D412E.
Identifiers: ClinVar variation 1411934 (VCV001411934.7), dbSNP rs200334001, ClinGen allele CA6191057.